The following is an entry in ClinVar:

ClinVar aggregate classification (germline): Pathogenic (1 of 4 stars; one submission).

Conditions:
Obesity due to SIM1 deficiency. Identifiers: Orphanet 369873, MedGen C5191050, MONDO:0018244.

Submission:

Victorian Clinical Genetics Services, Murdoch Childrens Research Institute
Classification: Pathogenic for Obesity due to SIM1 deficiency. Last evaluated: 2022-06-24. Review status: criteria provided, single submitter. Criteria: ACMG Guidelines, 2015. Collection method: clinical testing. Allele origin: germline. Inheritance: Autosomal dominant inheritance. Affected: yes.
Comment: Based on the classification scheme VCGS_Germline_v1.3.4, this variant is classified as Pathogenic. Following criteria are met: 0102 - Loss of function is a known mechanism of disease in this gene and is associated with obesity due to SIM1 deficiency (MONDO#0018244). (I) 0107 - This gene is associated with autosomal dominant disease. (I) 0112 - The condition associated with this gene has incomplete penetrance (PMID: 23778139). (I) 0201 - Variant is predicted to cause nonsense-mediated decay (NMD) and loss of protein (premature termination codon is located at least 54 nucleotides upstream of the final exon-exon junction). (SP) 0251 - This variant is heterozygous. (I) 0301 - Variant is absent from gnomAD (both v2 and v3). (SP) 0703 - Other NMD predicted variants comparable to the one identified in this case have moderate previous evidence for pathogenicity (ClinVar, PMID: 29216354, 30991789). (SP) 0807 - This variant has no previous evidence of pathogenicity. (I) 0905 - No published segregation evidence has been identified for this variant. (I) 1007 - No published functional evidence has been identified for this variant. (I) 1208 - Inheritance information for this variant is not currently available in this individual. (I) Legend: (SP) - Supporting pathogenic, (I) - Information, (SB) - Supporting benign

Literature cited by the submitters: PubMed 23778139; PubMed 29216354; PubMed 30991789.

NM_005068.3(SIM1):c.616del (p.Gln206fs)

Gene: SIM1 (SIM bHLH transcription factor 1; minus strand). Cytogenetic location: 6q16.3.
Variant type: Deletion.
Coding change: c.616del on transcript NM_005068.3 (MANE Select); coding-DNA position 616, one base deleted (C; older notation c.616delC).
Protein change: p.Gln206fs; shifts the reading frame from glutamine 206.
Molecular consequence: frameshift variant.
Genome position (GRCh38, 1-based): chr6:100,448,606, G deleted on the plus strand (C on the coding strand, the reverse complement: SIM1 is on the minus strand); the first of 2 consecutive G bases (chr6:100,448,606-100,448,607); deleting either gives the same sequence. VCF-style (leftmost placement, unchanged base first): chr6-100448605-TG-T. GRCh37 (hg19) VCF-style: chr6-100896481-TG-T.
Other names: c.616del, p.Gln206fs (NM_001374769.1); short protein forms Q206fs.
Identifiers: ClinVar variation 1699502 (VCV001699502.3), dbSNP rs2114540946, ClinGen allele CA2573130294.
Genomic context (GRCh38, chr6:100,448,605, plus strand): 5'-TTGATCTCCGTGACGGCGCTGGGAGGCAGCGAGTGGCCCACGGCCACCAGGCCCACGTTT[TG>T]GTAGCAGCCGTCGAAGGGGGACATGTCCAGGCTGTACTGGCGGATCTTCAAGTAGCCGCT-3'